The following is an entry in ClinVar:

NM_000234.3(LIG1):c.1511A>G (p.Lys504Arg)

Gene: LIG1 (DNA ligase 1; minus strand). Cytogenetic location: 19q13.33.
Variant type: single nucleotide variant.
Coding change: c.1511A>G on transcript NM_000234.3 (MANE Select); coding-DNA position 1511, A replaced by G.
Protein change: p.Lys504Arg; replaces lysine 504 with arginine.
Molecular consequence: missense variant. On other transcripts: non-coding transcript variant (6).
Genome position (GRCh38, 1-based): chr19:48,135,692, T>C on the plus strand (A>G on the coding strand, the complement: LIG1 is on the minus strand). VCF-style: chr19-48135692-T-C. GRCh37 (hg19) VCF-style: chr19-48638949-T-C.
Other names: c.1418A>G, p.Lys473Arg (NM_001289063.2); c.1307A>G, p.Lys436Arg (NM_001289064.2); c.1508A>G, p.Lys503Arg (NM_001320970.2); c.1421A>G, p.Lys474Arg (NM_001320971.2); short protein forms K474R, K473R, K503R, K504R, K436R.
Identifiers: ClinVar variation 2091766 (VCV002091766.4), dbSNP rs2034334684, ClinGen allele CA406648255.

ClinVar aggregate classification (germline): Uncertain significance (1 of 4 stars; one submission).

Allele frequency attached by ClinVar (database versions not stated): TOPMed below 0.00001.

Submission:

Labcorp Genetics (formerly Invitae), Labcorp
Classification: Uncertain significance. Last evaluated: 2023-12-11. Review status: criteria provided, single submitter. Criteria: Invitae Variant Classification Sherloc (09022015). Collection method: clinical testing. Allele origin: germline.
Comment: This sequence change replaces lysine, which is basic and polar, with arginine, which is basic and polar, at codon 504 of the LIG1 protein (p.Lys504Arg). This variant is not present in population databases (gnomAD no frequency). This variant has not been reported in the literature in individuals affected with LIG1-related conditions. ClinVar contains an entry for this variant (Variation ID: 2091766). An algorithm developed to predict the effect of missense changes on protein structure and function (PolyPhen-2) suggests that this variant is likely to be disruptive. In summary, the available evidence is currently insufficient to determine the role of this variant in disease. Therefore, it has been classified as a Variant of Uncertain Significance.